The following is an entry in ClinVar:

ClinVar aggregate classification (germline): Benign/Likely benign. Review status: criteria provided, multiple submitters, no conflicts (2 of 4 stars). 6 submissions from 6 submitters: Benign (2); Likely benign (4). Last evaluated 2026-05-13.

Allele frequency attached by ClinVar (database versions not stated): gnomAD exomes 0.00026 and 0.00076; ExAC 0.00084; ESP Exome Variant Server 0.00277; gnomAD 0.00293 and 0.00315; 1000 Genomes Project 30x 0.00312; TOPMed 0.00316; 1000 Genomes Project 0.00319.
gnomAD v4.1: 863 of 1,612,464 alleles (0.054%); highest among the groups gnomAD compares: African/African-American, 1%; 4 homozygotes.

Submissions (6):

Women's Health and Genetics/Laboratory Corporation of America, LabCorp
Classification: Likely benign. Last evaluated: 2026-05-13. Review status: criteria provided, single submitter. Criteria: LabCorp Variant Classification Summary - May 2015. Collection method: clinical testing. Allele origin: germline.

Labcorp Genetics (formerly Invitae), Labcorp
Classification: Benign. Last evaluated: 2026-01-24. Review status: criteria provided, single submitter. Criteria: Invitae Variant Classification Sherloc (09022015). Collection method: clinical testing. Allele origin: germline.

CeGaT Center for Human Genetics Tuebingen
Classification: Likely benign. Last evaluated: 2025-01-01. Review status: criteria provided, single submitter. Criteria: CeGaT Center For Human Genetics Tuebingen Variant Classification Criteria Version 2. Collection method: clinical testing. Allele origin: germline. Affected: yes. Observed: 2 variant alleles.
Comment: COL9A1: BP4, BS1

Blueprint Genetics
Classification: Likely benign. Last evaluated: 2024-10-22. Review status: criteria provided, single submitter. Criteria: ACMG Guidelines, 2015. Collection method: clinical testing. Allele origin: germline.

GeneDx
Classification: Likely benign. Last evaluated: 2021-11-01. Review status: criteria provided, single submitter. Criteria: GeneDx Variant Classification Process June 2021. Collection method: clinical testing. Allele origin: germline. Affected: yes.

Eurofins Ntd Llc (ga)
Classification: Benign. Last evaluated: 2017-07-11. Review status: criteria provided, single submitter. Criteria: EGL Classification Definitions 2015. Collection method: clinical testing. Allele origin: germline. Observed: 1 variant allele, 1 heterozygote.

NM_001851.6(COL9A1):c.1288-4T>A

Gene: COL9A1 (collagen type IX alpha 1 chain; minus strand). Cytogenetic location: 6q13.
Variant type: single nucleotide variant.
Coding change: c.1288-4T>A on transcript NM_001851.6 (MANE Select); 4 bases into the intron before coding-DNA position 1288, T replaced by A.
Molecular consequence: intron variant.
Genome position (GRCh38, 1-based): chr6:70,266,774, A>T on the plus strand (T>A on the coding strand, the complement: COL9A1 is on the minus strand). VCF-style: chr6-70266774-A-T. GRCh37 (hg19) VCF-style: chr6-70976477-A-T.
Other names: c.559-4T>A (NM_001377290.1, NM_078485.4, NM_001377289.1).
Identifiers: ClinVar variation 357808 (VCV000357808.35), dbSNP rs142431834, ClinGen allele CA3882293.
Genomic context (GRCh38, chr6:70,266,774, plus strand): 5'-TACCTTGTGTCCTTGTCTTCCTGGTTCACCAATTTCTCCTTTAGCCCCTTTATGACCCTA[A>T]CAAATGCAAAATAAGTAATTGTCTTGAGTTTGGTACAGAAAGTGATCAGAAGGCTCATAA-3'